The following is an entry in ClinVar:

ClinVar aggregate classification (germline): Likely benign. Review status: criteria provided, single submitter (1 of 4 stars). 2 submissions from 2 submitters: Likely benign (1). 1 of the submissions does not count toward it. Last evaluated 2025-01-03.

Conditions:
MAP1B-related disorder. Also called: MAP1B-related condition.
Inborn genetic diseases. Identifiers: MedGen C0950123, MeSH D030342.

Allele frequency attached by ClinVar (database versions not stated): gnomAD exomes 0.00013; ExAC 0.00032; ESP Exome Variant Server 0.00100; gnomAD 0.00123; TOPMed 0.00134; 1000 Genomes Project 0.00180; 1000 Genomes Project 30x 0.00250.
gnomAD v4.1: 387 of 1,613,806 alleles (0.024%); highest among the groups gnomAD compares: African/African-American, 0.38%; 1 homozygote.

Submissions (2):

Ambry Genetics
Classification: Likely benign for Inborn genetic diseases. Last evaluated: 2025-01-03. Review status: criteria provided, single submitter. Criteria: Ambry Variant Classification Scheme 2023. Collection method: clinical testing. Allele origin: germline.

PreventionGenetics, part of Exact Sciences
Classification: Likely benign for MAP1B-related condition. Last evaluated: 2021-02-23. Review status: no assertion criteria provided. Collection method: clinical testing. Allele origin: germline. Not counted in ClinVar's aggregate classification.
Comment: This variant is classified as likely benign based on ACMG/AMP sequence variant interpretation guidelines (Richards et al. 2015 PMID: 25741868, with internal and published modifications).

NM_005909.5(MAP1B):c.3236G>A (p.Arg1079Gln)

Gene: MAP1B (microtubule associated protein 1B; plus strand). Cytogenetic location: 5q13.2.
Variant type: single nucleotide variant.
Coding change: c.3236G>A on transcript NM_005909.5 (MANE Select); coding-DNA position 3236, G replaced by A.
Protein change: p.Arg1079Gln; replaces arginine 1079 with glutamine.
Molecular consequence: missense variant.
Genome position (GRCh38, 1-based): chr5:72,196,591, G>A. VCF-style: chr5-72196591-G-A. GRCh37 (hg19) VCF-style: chr5-71492418-G-A.
Other names: c.2858G>A, p.Arg953Gln (NM_001324255.2); c.3236G>A (NM_005909.3); short protein forms R1079Q, R953Q.
Identifiers: ClinVar variation 3047816 (VCV003047816.3), dbSNP rs35910899, ClinGen allele CA3298963.